The following is an entry in ClinVar:

ClinVar aggregate classification (germline): Likely benign. Review status: criteria provided, multiple submitters, no conflicts (2 of 4 stars). 3 submissions from 3 submitters: Likely benign (3). Last evaluated 2025-12-08.

Conditions:
Hypertrophic cardiomyopathy. Also called: HYPERTROPHIC MYOCARDIOPATHY. Identifiers: Orphanet 217569, MedGen C0007194, MeSH D002312, MONDO:0005045, HP:0001639.
Cardiomyopathy (CMYO). Also called: Cardiomyopathies. Identifiers: Orphanet 167848, MedGen C0878544, MONDO:0004994, HP:0001638. Inheritance: Various modes of inheritance.

Allele frequency attached by ClinVar (database versions not stated): ExAC 0.00001; gnomAD 0.00001; gnomAD exomes 0.00001; 1000 Genomes Project 0.00020; 1000 Genomes Project 30x 0.00031.
gnomAD v4.1: 7 of 1,614,198 alleles (0.00043%); highest among the groups gnomAD compares: Admixed American, 0.0067%; no homozygotes.

Submissions (3):

Labcorp Genetics (formerly Invitae), Labcorp
Classification: Likely benign for Hypertrophic cardiomyopathy. Last evaluated: 2025-12-08. Review status: criteria provided, single submitter. Criteria: Invitae Variant Classification Sherloc (09022015). Collection method: clinical testing. Allele origin: germline.

All of Us Research Program, National Institutes of Health
Classification: Likely benign for Cardiomyopathy. Last evaluated: 2023-07-22. Review status: criteria provided, single submitter. Criteria: ACMG Guidelines, 2015. Collection method: clinical testing. Allele origin: germline. Inheritance: Autosomal dominant inheritance. Observed: 2 variant alleles, 2 heterozygotes.
Comment: This study involves interpretation of variants in research participants for the purpose of population health screening. Participant phenotype was not available at the time of variant classification. Additional details can be found in publication PMID: 35346344, PMCID: PMC8962531

Color Diagnostics, LLC DBA Color Health
Classification: Likely benign for Cardiomyopathy. Last evaluated: 2019-05-15. Review status: criteria provided, single submitter. Criteria: ACMG Guidelines, 2015. Collection method: clinical testing. Allele origin: germline.

NM_000257.4(MYH7):c.733-8C>T

Gene: MYH7 (myosin heavy chain 7; minus strand). Cytogenetic location: 14q11.2.
Variant type: single nucleotide variant.
Coding change: c.733-8C>T on transcript NM_000257.4 (MANE Select); 8 bases into the intron before coding-DNA position 733, C replaced by T.
Molecular consequence: intron variant.
Genome position (GRCh38, 1-based): chr14:23,431,489, G>A on the plus strand (C>T on the coding strand, the complement: MYH7 is on the minus strand). VCF-style: chr14-23431489-G-A. GRCh37 (hg19) VCF-style: chr14-23900698-G-A.
Identifiers: ClinVar variation 921937 (VCV000921937.11), dbSNP rs201264386, ClinGen allele CA049020.